The following is an entry in ClinVar:

ClinVar aggregate classification (germline): Pathogenic/Likely pathogenic. Review status: criteria provided, multiple submitters, no conflicts (2 of 4 stars). 2 submissions from 2 submitters: Pathogenic (1); Likely pathogenic (1). Last evaluated 2022-11-23.

Conditions:
Cardiovascular phenotype. Identifiers: MedGen CN230736.

gnomAD v4.1: 1 of 1,612,188 alleles (0.000062%); highest among the groups gnomAD compares: Non-Finnish European, 0.000085%; no homozygotes.

Submissions (2):

Ambry Genetics
Classification: Likely pathogenic for Cardiovascular phenotype. Last evaluated: 2022-11-23. Review status: criteria provided, single submitter. Criteria: Ambry Variant Classification Scheme 2023. Collection method: clinical testing. Allele origin: germline.
Comment: The p.K7978* variant (also known as c.23932A>T), located in coding exon 97 of the TTN gene, results from an A to T substitution at nucleotide position 23932. This changes the amino acid from a lysine to a stop codon within coding exon 97. This exon is located in the A-band region of the N2-B isoform of the titin protein and is constitutively expressed in TTN transcripts (percent spliced in or PSI 100%). This variant is considered to be rare based on population cohorts in the Genome Aggregation Database (gnomAD). This alteration is expected to result in loss of function by premature protein truncation or nonsense-mediated mRNA decay. While truncating variants in TTN are present in 1-3% of the general population, truncating variants in the A-band are the most common cause of dilated cardiomyopathy (DCM) (Herman DS et al. N. Engl. J. Med., 2012 Feb;366:619-28; Roberts AM et al. Sci Transl Med, 2015 Jan;7:270ra6). TTN truncating variants encoded in constitutive exons (PSI >90%) have been found to be significantly associated with DCM regardless of their position in titin (Schafer S et al. Nat. Genet., 2017 01;49:46-53). Based on the majority of available evidence to date, this variant is likely to be pathogenic.

GeneDx
Classification: Pathogenic. Last evaluated: 2013-08-19. Review status: criteria provided, single submitter. Criteria: GeneDx Variant Classification (06012015). Collection method: clinical testing. Allele origin: germline. Affected: yes.
Comment: p.Lys15402Stop (AAA>TAA): c.46204 A>T in exon 220 of the TTN gene (NM_001256850.1). The Lys15402Stop mutation in the TTN gene has not been reported previously as a disease-causing mutation or as a benign polymorphism, to our knowledge. Lys15402Stop is predicted to cause loss of normal protein function either due to production of an abnormal, prematurely truncated protein, or by absence of protein product due to nonsense mediated mRNA decay. Other truncating TTN variants have been reported in approximately 3% of control alleles (Herman D et al., 2012). However, Lys15402Stop is located in the A-band region of titin, where the majority of truncating mutations associated with DCM have been reported (Herman D et al., 2012). In summary, Lys15402Stop in the TTN gene is interpreted as a disease-causing mutation. The variant is found in DCM panel(s).

NM_001267550.2(TTN):c.51127A>T (p.Lys17043Ter)

Genes: TTN (titin; minus strand), TTN-AS1 (TTN antisense RNA 1; plus strand). Cytogenetic location: 2q31.2.
Variant type: single nucleotide variant.
Coding change: c.51127A>T on transcript NM_001267550.2 (MANE Select); coding-DNA position 51127, A replaced by T.
Protein change: p.Lys17043Ter; replaces lysine 17043 with a stop codon.
Molecular consequence: nonsense.
Genome position (GRCh38, 1-based): chr2:178,611,002, T>A on the plus strand (A>T on the coding strand, the complement: TTN is on the minus strand). VCF-style: chr2-178611002-T-A. GRCh37 (hg19) VCF-style: chr2-179475729-T-A.
Other names: p.K15402*:AAA>TAA; c.46204A>T, p.Lys15402Ter (NM_001256850.1); c.23932A>T, p.Lys7978Ter (NM_003319.4); c.43423A>T, p.Lys14475Ter (NM_133378.4); c.24307A>T, p.Lys8103Ter (NM_133432.3); c.24508A>T, p.Lys8170Ter (NM_133437.4); short protein forms K15402*, K17043*, K7978*, K8170*, K14475*, K8103*.
Identifiers: ClinVar variation 202383 (VCV000202383.6), dbSNP rs794729269, ClinGen allele CA309254.